The following is an entry in ClinVar:

NM_000498.3(CYP11B2):c.763G>T (p.Glu255Ter)

Genes: CYP11B2 (cytochrome P450 family 11 subfamily B member 2; minus strand), LOC106799834 (CYP11B2 recombination region; plus strand). Cytogenetic location: 8q24.3.
Variant type: single nucleotide variant.
Coding change: c.763G>T on transcript NM_000498.3 (MANE Select); coding-DNA position 763, G replaced by T.
Protein change: p.Glu255Ter; replaces glutamic acid 255 with a stop codon.
Molecular consequence: nonsense.
Genome position (GRCh38, 1-based): chr8:142,914,741, C>A on the plus strand (G>T on the coding strand, the complement: CYP11B2 is on the minus strand). VCF-style: chr8-142914741-C-A. GRCh37 (hg19) VCF-style: chr8-143996157-C-A.
Other names: short protein forms E255*.
Identifiers: ClinVar variation 16880 (VCV000016880.13), dbSNP rs121912977, ClinGen allele CA126944.

ClinVar aggregate classification (germline): Pathogenic. Review status: criteria provided, multiple submitters, no conflicts (2 of 4 stars). 6 submissions from 6 submitters: Pathogenic (5). 1 of the submissions does not count toward it. Last evaluated 2025-03-17.

Conditions:
Corticosterone methyl oxidase type II deficiency.
Corticosterone methyloxidase type 2 deficiency. Also called: ALDOSTERONE DEFICIENCY DUE TO DEFICIENCY OF STEROID 18-OXIDASE; ALDOSTERONE DEFICIENCY II; 18-OXIDASE DEFICIENCY; CMO II DEFICIENCY; STEROID 18-OXIDASE DEFICIENCY. Identifiers: Orphanet 427, MedGen C3463917, MONDO:0012524, OMIM 610600. Disease mechanism: loss of function.
Corticosterone 18-monooxygenase deficiency. Also called: ALDOSTERONE DEFICIENCY I; ALDOSTERONE DEFICIENCY DUE TO DEFECT IN STEROID 18-HYDROXYLASE; CMO I DEFICIENCY; STEROID 18-HYDROXYLASE DEFICIENCY; 18 Hydroxylase deficiency; Aldosterone deficiency due to defect in 18 hydroxylase. Identifiers: Orphanet 427, MedGen C0268293, MONDO:0008751, OMIM 203400. Disease mechanism: loss of function.

Allele frequency attached by ClinVar (database versions not stated): ExAC 0.00001; gnomAD 0.00002; gnomAD exomes 0.00001; TOPMed 0.00002.

Submissions (6):

Natera, Inc.
Classification: Pathogenic for Corticosterone methyl oxidase type II deficiency. Last evaluated: 2025-03-17. Review status: criteria provided, single submitter. Criteria: Natera Variant Classification Schema (03/2026). Collection method: clinical testing. Allele origin: germline.
Comment: The c.763G>T variant in CYP11B2 is a nonsense variant predicted to introduce a stop codon at amino acid 255. This variant is expected to result in nonsense mediated decay, truncation, or a dysfunctional protein product. This variant is rare in the general population with a frequency below the threshold expected for the associated phenotype(s). This variant has been observed in one or more individuals affected with the associated recessive disease, as either homozygous or compound heterozygous with a second variant (PMID: 9360501). This variant has been observed to segregate in affected family members (PMID: 9360501). Given the available evidence, this variant is classified as Pathogenic.

Fulgent Genetics
Classification: Pathogenic for Corticosterone 18-monooxygenase deficiency; Corticosterone methyloxidase type 2 deficiency. Last evaluated: 2024-03-29. Review status: criteria provided, single submitter. Criteria: ACMG Guidelines, 2015. Collection method: clinical testing. Allele origin: germline.

Labcorp Genetics (formerly Invitae), Labcorp
Classification: Pathogenic. Last evaluated: 2023-12-01. Review status: criteria provided, single submitter. Criteria: Invitae Variant Classification Sherloc (09022015). Collection method: clinical testing. Allele origin: germline.
Comment: This sequence change creates a premature translational stop signal (p.Glu255*) in the CYP11B2 gene. It is expected to result in an absent or disrupted protein product. Loss-of-function variants in CYP11B2 are known to be pathogenic (PMID: 20494601, 22801770, 26936515). This variant is present in population databases (rs121912977, gnomAD 0.0009%). This premature translational stop signal has been observed in individual(s) with aldosterone synthase deficiency (PMID: 9703385, 15240589). In at least one individual the data is consistent with being in trans (on the opposite chromosome) from a pathogenic variant. It has also been observed to segregate with disease in related individuals. ClinVar contains an entry for this variant (Variation ID: 16880). For these reasons, this variant has been classified as Pathogenic.

3billion
Classification: Pathogenic for Corticosterone methyloxidase type 2 deficiency. Last evaluated: 2022-05-22. Review status: criteria provided, single submitter. Criteria: ACMG Guidelines, 2015. Collection method: clinical testing. Allele origin: germline. Affected: yes. Observed: 1 homozygote.
Comment: The variant is observed at an extremely low frequency in the gnomAD v2.1.1 dataset (total allele frequency: <0.001%). Stop-gained (nonsense): predicted to result in a loss or disruption of normal protein function through nonsense-mediated decay (NMD) or protein truncation. Multiple pathogenic variants are reported downstream of the variant. The variant has been reported to be associated with CYP11B2- related disorder (ClinVar ID: VCV000016880). Therefore, this variant is classified as pathogenic according to the recommendation of ACMG/AMP guideline.

Kariminejad - Najmabadi Pathology & Genetics Center
Classification: Pathogenic for Corticosterone methyloxidase type 2 deficiency. Review status: criteria provided, single submitter. Criteria: ACMG Guidelines, 2015. Collection method: clinical testing. Allele origin: germline. Affected: no.

OMIM
Classification: Pathogenic for CORTICOSTERONE METHYLOXIDASE TYPE I DEFICIENCY. Last evaluated: 2004-07-01. Review status: no assertion criteria provided. Collection method: literature only. Allele origin: germline. Not counted in ClinVar's aggregate classification.

Literature cited by the submitters: PubMed 9360501 (cited by Natera, Inc. and OMIM); PubMed 20494601 (cited by Labcorp Genetics (formerly Invitae), Labcorp); PubMed 22801770 (cited by Labcorp Genetics (formerly Invitae), Labcorp); PubMed 26936515 (cited by Labcorp Genetics (formerly Invitae), Labcorp); PubMed 9703385 (cited by Labcorp Genetics (formerly Invitae), Labcorp); PubMed 15240589 (cited by Labcorp Genetics (formerly Invitae), Labcorp and OMIM); PubMed 14250395 (cited by OMIM).